The following is an entry in ClinVar:

ClinVar aggregate classification (germline): Uncertain significance. Review status: criteria provided, multiple submitters, no conflicts (2 of 4 stars). 2 submissions from 2 submitters: Uncertain significance (2). Last evaluated 2026-03-21.

Conditions:
Long QT syndrome (LQTS). Identifiers: MedGen C0023976, MeSH D008133, MONDO:0002442. Disease mechanism: loss of function. Inheritance: Various modes of inheritance.
Cardiovascular phenotype. Identifiers: MedGen CN230736.

Submissions (2):

Ambry Genetics
Classification: Uncertain significance for Cardiovascular phenotype. Last evaluated: 2026-03-21. Review status: criteria provided, single submitter. Criteria: Ambry Variant Classification Scheme 2023. Collection method: clinical testing. Allele origin: germline.
Comment: The p.A3251D variant (also known as c.9752C>A), located in coding exon 38 of the ANK2 gene, results from a C to A substitution at nucleotide position 9752. The alanine at codon 3251 is replaced by aspartic acid, an amino acid with dissimilar properties. This amino acid position is conserved. In addition, this alteration is predicted to be tolerated by in silico analysis. Based on the available evidence, the clinical significance of this variant remains unclear.

Labcorp Genetics (formerly Invitae), Labcorp
Classification: Uncertain significance for Long QT syndrome. Last evaluated: 2025-05-01. Review status: criteria provided, single submitter. Criteria: Invitae Variant Classification Sherloc (09022015). Collection method: clinical testing. Allele origin: germline.
Comment: This sequence change replaces alanine, which is neutral and non-polar, with aspartic acid, which is acidic and polar, at codon 3251 of the ANK2 protein (p.Ala3251Asp). This variant is not present in population databases (gnomAD no frequency). This variant has not been reported in the literature in individuals affected with ANK2-related conditions. An algorithm developed to predict the effect of missense changes on protein structure and function (PolyPhen-2) suggests that this variant is likely to be tolerated. In summary, the available evidence is currently insufficient to determine the role of this variant in disease. Therefore, it has been classified as a Variant of Uncertain Significance.

NM_001148.6(ANK2):c.9752C>A (p.Ala3251Asp)

Gene: ANK2 (ankyrin 2; plus strand). Cytogenetic location: 4q26.
Variant type: single nucleotide variant.
Coding change: c.9752C>A on transcript NM_001148.6 (MANE Select); coding-DNA position 9752, C replaced by A.
Protein change: p.Ala3251Asp; replaces alanine 3251 with aspartic acid.
Molecular consequence: missense variant. On other transcripts: intron variant (68).
Genome position (GRCh38, 1-based): chr4:113,358,370, C>A. VCF-style: chr4-113358370-C-A. GRCh37 (hg19) VCF-style: chr4-114279526-C-A.
Other names: c.4424-2453C>A (NM_001354265.2, NM_001354235.2, NM_001354246.2); c.4325-2453C>A (NM_001354236.2); c.4463-2453C>A (NM_001354232.2); c.4328-2453C>A (NM_001354228.2, NM_001354258.2); c.4265-2453C>A (NM_001354245.2, NM_001354262.2, NM_001354275.2); c.4229-2453C>A (NM_001354268.2); c.4127-2453C>A (NM_001354273.2); c.4427-2453C>A (NM_020977.5); and 35 more; short protein forms A3173D, A2051D, A3290D, A3298D, A3251D.
Identifiers: ClinVar variation 4097162 (VCV004097162.3).